The following is an entry in ClinVar:

ClinVar aggregate classification (germline): Uncertain significance (1 of 4 stars; one submission).

Conditions:
Congenital myasthenic syndrome 8. Also called: MYASTHENIC SYNDROME, CONGENITAL, DUE TO AGRIN DEFICIENCY; Myasthenic syndrome, congenital, 8, with pre- and postsynaptic defects. Identifiers: Orphanet 590, MedGen C3808739, MONDO:0014052, OMIM 615120.

Allele frequency attached by ClinVar (database versions not stated): TOPMed 0.00002; gnomAD 0.00002.

Submission:

Labcorp Genetics (formerly Invitae), Labcorp
Classification: Uncertain significance for Congenital myasthenic syndrome 8. Last evaluated: 2021-08-26. Review status: criteria provided, single submitter. Criteria: Invitae Variant Classification Sherloc (09022015). Collection method: clinical testing. Allele origin: germline.
Comment: This sequence change replaces arginine with tryptophan at codon 192 of the AGRN protein (p.Arg192Trp). The arginine residue is moderately conserved and there is a moderate physicochemical difference between arginine and tryptophan. The frequency data for this variant in the population databases is considered unreliable, as metrics indicate insufficient coverage at this position in the ExAC database. This variant has not been reported in the literature in individuals affected with AGRN-related conditions. Algorithms developed to predict the effect of missense changes on protein structure and function are either unavailable or do not agree on the potential impact of this missense change (SIFT: "Deleterious"; PolyPhen-2: "Possibly Damaging"; Align-GVGD: "Class C0"). In summary, the available evidence is currently insufficient to determine the role of this variant in disease. Therefore, it has been classified as a Variant of Uncertain Significance.

NM_198576.4(AGRN):c.574C>T (p.Arg192Trp)

Gene: AGRN (agrin; plus strand). Cytogenetic location: 1p36.33.
Variant type: single nucleotide variant.
Coding change: c.574C>T on transcript NM_198576.4 (MANE Select); coding-DNA position 574, C replaced by T.
Protein change: p.Arg192Trp; replaces arginine 192 with tryptophan.
Molecular consequence: missense variant.
Genome position (GRCh38, 1-based): chr1:1,040,727, C>T. VCF-style: chr1-1040727-C-T. GRCh37 (hg19) VCF-style: chr1-976107-C-T.
Other names: c.574C>T, p.Arg192Trp (NM_001305275.2); c.259C>T, p.Arg87Trp (NM_001364727.2); short protein forms R192W, R87W.
Identifiers: ClinVar variation 936876 (VCV000936876.7), dbSNP rs1056434535, ClinGen allele CA16750869.